The following is an entry in ClinVar:

NM_018062.4(FANCL):c.691+3A>G

Gene: FANCL (FA complementation group L; minus strand). Cytogenetic location: 2p16.1.
Variant type: single nucleotide variant.
Coding change: c.691+3A>G on transcript NM_018062.4 (MANE Select); 3 bases into the intron after coding-DNA position 691, A replaced by G.
Molecular consequence: intron variant.
Genome position (GRCh38, 1-based): chr2:58,165,721, T>C on the plus strand (A>G on the coding strand, the complement: FANCL is on the minus strand). VCF-style: chr2-58165721-T-C. GRCh37 (hg19) VCF-style: chr2-58392856-T-C.
Other names: c.736+3A>G (NM_001374615.1); c.706+3A>G (NM_001114636.2); c.751+3A>G (NM_001410792.1).
Identifiers: ClinVar variation 1390047 (VCV001390047.6), dbSNP rs1159902512, ClinGen allele CA533179985.

ClinVar aggregate classification (germline): Uncertain significance (1 of 4 stars; one submission).

Conditions:
Fanconi anemia (FA). Also called: Fanconi's anemia. Identifiers: Orphanet 84, MedGen C0015625, MeSH D005199, MONDO:0019391.

Allele frequency attached by ClinVar (database versions not stated): gnomAD exomes below 0.00001; TOPMed below 0.00001; gnomAD 0.00001.
gnomAD v4.1: 5 of 1,613,978 alleles (0.00031%); highest among the groups gnomAD compares: African/African-American, 0.0013%; no homozygotes.

Submission:

Labcorp Genetics (formerly Invitae), Labcorp
Classification: Uncertain significance for Fanconi anemia. Last evaluated: 2021-03-29. Review status: criteria provided, single submitter. Criteria: Invitae Variant Classification Sherloc (09022015). Collection method: clinical testing. Allele origin: germline.
Comment: In summary, the available evidence is currently insufficient to determine the role of this variant in disease. Therefore, it has been classified as a Variant of Uncertain Significance. Nucleotide substitutions within the consensus splice site are a relatively common cause of aberrant splicing (PMID: 17576681, 9536098). Algorithms developed to predict the effect of sequence changes on RNA splicing suggest that this variant may disrupt the consensus splice site, but this prediction has not been confirmed by published transcriptional studies. This variant has not been reported in the literature in individuals with FANCL-related conditions. This variant is not present in population databases (ExAC no frequency). This sequence change falls in intron 8 of the FANCL gene. It does not directly change the encoded amino acid sequence of the FANCL protein. It affects a nucleotide within the consensus splice site of the intron.

Literature cited by the submitters: PubMed 17576681; PubMed 9536098.